The following is an entry in ClinVar:

ClinVar aggregate classification (germline): Uncertain significance (1 of 4 stars; one submission).

gnomAD v4.1: 2 of 1,614,122 alleles (0.00012%); no homozygotes.

Submission:

GeneDx
Classification: Uncertain significance. Last evaluated: 2024-09-12. Review status: criteria provided, single submitter. Criteria: GeneDx Variant Classification Process June 2021. Collection method: clinical testing. Allele origin: germline. Affected: yes.
Comment: Not observed at significant frequency in large population cohorts (gnomAD); In silico analysis indicates that this missense variant does not alter protein structure/function; Has not been previously published as pathogenic or benign to our knowledge

NM_001197104.2(KMT2A):c.8359C>T (p.His2787Tyr)

Gene: KMT2A (lysine methyltransferase 2A; plus strand). Cytogenetic location: 11q23.3.
Variant type: single nucleotide variant.
Coding change: c.8359C>T on transcript NM_001197104.2 (MANE Select); coding-DNA position 8359, C replaced by T.
Protein change: p.His2787Tyr; replaces histidine 2787 with tyrosine.
Molecular consequence: missense variant.
Genome position (GRCh38, 1-based): chr11:118,504,251, C>T. VCF-style: chr11-118504251-C-T. GRCh37 (hg19) VCF-style: chr11-118374966-C-T.
Other names: c.8449C>T, p.His2817Tyr (NM_001412597.1); c.8350C>T, p.His2784Tyr (NM_005933.4); short protein forms H2784Y, H2787Y, H2817Y.
Identifiers: ClinVar variation 3769691 (VCV003769691.1).